The following is an entry in ClinVar:

ClinVar aggregate classification (germline): Pathogenic (1 of 4 stars; one submission).

Submission:

CeGaT Center for Human Genetics Tuebingen
Classification: Pathogenic. Last evaluated: 2024-04-01. Review status: criteria provided, single submitter. Criteria: CeGaT Center For Human Genetics Tuebingen Variant Classification Criteria Version 2. Collection method: clinical testing. Allele origin: germline. Affected: yes. Observed: 2 variant alleles.
Comment: SMARCC2: PVS1, PM2

NM_001330288.2(SMARCC2):c.1958_1959del (p.Lys653fs)

Gene: SMARCC2 (SWI/SNF related BAF chromatin remodeling complex subunit C2; minus strand). Cytogenetic location: 12q13.2.
Variant type: Deletion.
Coding change: c.1958_1959del on transcript NM_001330288.2 (MANE Select); coding-DNA positions 1958 to 1959, 2 bases deleted (AA; older notation c.1958_1959delAA).
Protein change: p.Lys653fs; shifts the reading frame from lysine 653.
Molecular consequence: frameshift variant.
Genome position (GRCh38, 1-based): chr12:56,171,905-56,171,906, TT deleted on the plus strand (AA on the coding strand, the reverse complement: SMARCC2 is on the minus strand); deleting any 2 consecutive bases within chr12:56,171,905-56,171,907 gives the same sequence; the c. name uses the placement nearest the transcript's 3' end. VCF-style (leftmost placement, unchanged base first): chr12-56171904-CTT-C. GRCh37 (hg19) VCF-style: chr12-56565688-CTT-C.
Other names: c.1958_1959del, p.Lys653fs (NM_001130420.3, NM_139067.4); c.1865_1866del, p.Lys622fs (NM_003075.5); short protein forms K622fs, K653fs.
Identifiers: ClinVar variation 3067660 (VCV003067660.21), dbSNP rs2540882993, ClinGen allele CA2825002092.